The following is an entry in ClinVar:

NM_006231.4(POLE):c.1883G>T (p.Gly628Val)

Gene: POLE (DNA polymerase epsilon, catalytic subunit; minus strand). Cytogenetic location: 12q24.33.
Variant type: single nucleotide variant.
Coding change: c.1883G>T on transcript NM_006231.4 (MANE Select); coding-DNA position 1883, G replaced by T.
Protein change: p.Gly628Val; replaces glycine 628 with valine.
Molecular consequence: missense variant.
Genome position (GRCh38, 1-based): chr12:132,668,851, C>A on the plus strand (G>T on the coding strand, the complement: POLE is on the minus strand). VCF-style: chr12-132668851-C-A. GRCh37 (hg19) VCF-style: chr12-133245437-C-A.
Other names: c.1883G>T (NM_006231.2); short protein forms G628V.
Identifiers: ClinVar variation 566818 (VCV000566818.9), dbSNP rs769889052, ClinGen allele CA6893787.
Genomic context (GRCh38, chr12:132,668,851, plus strand): 5'-CACGGGAAGTAAAGTCTCACCTGCAGGCGGTTGGTCAGGATGATGTTGGGGTACATGGCC[C>A]CCACGTCCAGGTGGTAGATGAGTGGACACTCGATGCGGCTGGGAACGTCCTTCAGGGAGG-3'
Protein context (NP_006222.2, residues 618-638): ECPLIYHLDV[Gly628Val]AMYPNIILTN

ClinVar aggregate classification (germline): Uncertain significance. Review status: criteria provided, multiple submitters, no conflicts (2 of 4 stars). 2 submissions from 2 submitters: Uncertain significance (2). Last evaluated 2025-01-29.

Conditions:
Hereditary cancer-predisposing syndrome. Also called: Neoplastic Syndromes, Hereditary; Tumor predisposition; Hereditary neoplastic syndrome; Hereditary Cancer Syndrome. Identifiers: Orphanet 140162, MedGen C0027672, MeSH D009386, MONDO:0015356.

Allele frequency attached by ClinVar (database versions not stated): gnomAD exomes below 0.00001; ExAC 0.00001.
gnomAD v4.1: 1 of 1,614,112 alleles (0.000062%); highest among the groups gnomAD compares: Non-Finnish European, 0.000085%; no homozygotes.

Submissions (2):

Ambry Genetics
Classification: Uncertain significance for Hereditary cancer-predisposing syndrome. Last evaluated: 2025-01-29. Review status: criteria provided, single submitter. Criteria: Ambry Variant Classification Scheme 2023. Collection method: clinical testing. Allele origin: germline.
Comment: The p.G628V variant (also known as c.1883G>T), located in coding exon 17 of the POLE gene, results from a G to T substitution at nucleotide position 1883. The glycine at codon 628 is replaced by valine, an amino acid with dissimilar properties. This amino acid position is highly conserved in available vertebrate species. In addition, the in silico prediction for this alteration is inconclusive. Based on the available evidence, the clinical significance of this variant remains unclear.

Labcorp Genetics (formerly Invitae), Labcorp
Classification: Uncertain significance. Last evaluated: 2023-04-01. Review status: criteria provided, single submitter. Criteria: Invitae Variant Classification Sherloc (09022015). Collection method: clinical testing. Allele origin: germline.
Comment: This sequence change replaces glycine, which is neutral and non-polar, with valine, which is neutral and non-polar, at codon 628 of the POLE protein (p.Gly628Val). This variant is present in population databases (rs769889052, gnomAD 0.0009%). This variant has not been reported in the literature in individuals affected with POLE-related conditions. ClinVar contains an entry for this variant (Variation ID: 566818). Advanced modeling of protein sequence and biophysical properties (such as structural, functional, and spatial information, amino acid conservation, physicochemical variation, residue mobility, and thermodynamic stability) performed at Invitae indicates that this missense variant is expected to disrupt POLE protein function. In summary, the available evidence is currently insufficient to determine the role of this variant in disease. Therefore, it has been classified as a Variant of Uncertain Significance.